The following is an entry in ClinVar:

ClinVar aggregate classification (germline): Likely benign (1 of 4 stars; one submission).

Allele frequency attached by ClinVar (database versions not stated): gnomAD exomes below 0.00001; ExAC 0.00001; TOPMed 0.00001.
gnomAD v4.1: 6 of 1,211,614 alleles (0.0005%); highest among the groups gnomAD compares: South Asian, 0.0018%; no homozygotes.

Submission:

CeGaT Center for Human Genetics Tuebingen
Classification: Likely benign. Last evaluated: 2022-04-01. Review status: criteria provided, single submitter. Criteria: CeGaT Center For Human Genetics Tuebingen Variant Classification Criteria Version 2. Collection method: clinical testing. Allele origin: germline. Affected: yes. Observed: 2 variant alleles.
Comment: ZFX: BP4, BP7

NM_003410.4(ZFX):c.1935A>C (p.Ser645=)

Gene: ZFX (zinc finger protein X-linked; plus strand). Cytogenetic location: Xp22.11.
Variant type: single nucleotide variant.
Coding change: c.1935A>C on transcript NM_003410.4 (MANE Select); coding-DNA position 1935, A replaced by C.
Protein change: p.Ser645=; no amino-acid change (serine 645 retained).
Molecular consequence: synonymous variant. On other transcripts: 3 prime UTR variant (1).
Genome position (GRCh38, 1-based): chrX:24,210,893, A>C. VCF-style: chrX-24210893-A-C. GRCh37 (hg19) VCF-style: chrX-24229010-A-C.
Other names: c.1935A>C, p.Ser645= (NM_001178084.2, NM_001178085.1); c.1248A>C, p.Ser416= (NM_001178086.2); c.*695A>C (NM_001178095.2); c.2052A>C, p.Ser684= (NM_001330327.2).
Identifiers: ClinVar variation 2660184 (VCV002660184.24), dbSNP rs749290255, ClinGen allele CA10371207.
Genomic context (GRCh38, chrX:24,210,893, plus strand): 5'-TATCCACCAAGAAAGCAAAACACACCAGTGTTTGCATTGCGACCACAAGAGTTCGAACTC[A>C]AGTGATTTGAAACGACACATAATTTCAGTTCACACGAAAGACTACCCCCATAAGTGTGAC-3'
Protein context (NP_003401.2, residues 635-655): CLHCDHKSSN[Ser645=]SDLKRHIISV